The following is an entry in ClinVar:

NM_000256.3(MYBPC3):c.3535G>A (p.Glu1179Lys)

Gene: MYBPC3 (myosin binding protein C3; minus strand). Cytogenetic location: 11p11.2.
Variant type: single nucleotide variant.
Coding change: c.3535G>A on transcript NM_000256.3 (MANE Select); coding-DNA position 3535, G replaced by A.
Protein change: p.Glu1179Lys; replaces glutamic acid 1179 with lysine.
Molecular consequence: missense variant.
Genome position (GRCh38, 1-based): chr11:47,332,658, C>T on the plus strand (G>A on the coding strand, the complement: MYBPC3 is on the minus strand). VCF-style: chr11-47332658-C-T. GRCh37 (hg19) VCF-style: chr11-47354209-C-T.
Other names: p.E1179K:GAG>AAG; short protein forms E1179K.
Identifiers: ClinVar variation 42719 (VCV000042719.44), dbSNP rs199669878, ClinGen allele CA014298.

ClinVar aggregate classification (germline): Conflicting classifications of pathogenicity. Review status: criteria provided, conflicting classifications (1 of 4 stars). 19 submissions from 18 submitters: Uncertain significance (3); Benign (2); Likely benign (13). 1 of the submissions does not count toward it. Last evaluated 2026-06-22.

Conditions:
MYBPC3-related disorder. Also called: MYBPC3-related disorders; MYBPC3-related condition; MYBPC3-related disease.
Left ventricular noncompaction 10 (LVNC10). Identifiers: Orphanet 154, Orphanet 54260, MedGen C3715165, MONDO:0014163, OMIM 615396.
Cardiovascular phenotype. Identifiers: MedGen CN230736.
Cardiomyopathy (CMYO). Also called: Cardiomyopathies. Identifiers: Orphanet 167848, MedGen C0878544, MONDO:0004994, HP:0001638. Inheritance: Various modes of inheritance.
Primary dilated cardiomyopathy (DCM). Also called: Dilated Cardiomyopathy. Identifiers: Orphanet 217604, MedGen C0007193, MeSH D002311, MONDO:0005021, HP:0001644. Inheritance: Various modes of inheritance.
Hypertrophic cardiomyopathy 4. Also called: Familial hypertrophic cardiomyopathy 4. Identifiers: MedGen C1861862, MONDO:0007268, OMIM 115197.
Hypertrophic cardiomyopathy. Also called: HYPERTROPHIC MYOCARDIOPATHY. Identifiers: Orphanet 217569, MedGen C0007194, MeSH D002312, MONDO:0005045, HP:0001639.

Allele frequency attached by ClinVar (database versions not stated): gnomAD 0.00027 and 0.00036; ExAC 0.00046; TOPMed 0.00048; ESP Exome Variant Server 0.00049.
gnomAD v4.1: 445 of 1,613,518 alleles (0.028%); highest among the groups gnomAD compares: South Asian, 0.15%; no homozygotes.

Submissions 1 to 18 of 19:

Women's Health and Genetics/Laboratory Corporation of America, LabCorp
Classification: Likely benign. Last evaluated: 2026-06-22. Review status: criteria provided, single submitter. Criteria: LabCorp Variant Classification Summary - May 2015. Collection method: clinical testing. Allele origin: germline.
Comment: Variant summary: MYBPC3 c.3535G>A (p.Glu1179Lys) results in a conservative amino acid change in the encoded protein sequence. Algorithms developed to predict the effect of missense changes on protein structure and function are either unavailable or do not agree on the potential impact of this missense change. The variant allele was found at a frequency of 0.00045 in 247566 control chromosomes, predominantly at a frequency of 0.0013 within the South Asian subpopulation in the gnomAD database. The observed variant frequency within South Asian control individuals in the gnomAD database exceeds the estimated maximal expected allele frequency for disease-causing variants in MYBPC3. c.3535G>A has been observed in individuals affected with Hypertrophic Cardiomyopathy (e.g. Rodriguez-Garcia_2010, Kassem_2013, Garcia-Molina_2019), Arrhythmogenic Right Ventricular Cardiomyopathy (ARVC)(Choung_2017) and Sudden Infant Death syndrome (SIDS)(Brion_2012). These reports do not provide unequivocal conclusions about association of the variant with disease. To our knowledge, no experimental evidence demonstrating an impact on protein function has been reported. The following publications have been ascertained in the context of this evaluation (PMID: 22361390, 28843747, 30972196, 23233322, 22563033, 26914223, 20433692). ClinVar contains an entry for this variant (Variation ID: 42719). Based on the evidence outlined above, the variant was classified as likely benign.

Labcorp Genetics (formerly Invitae), Labcorp
Classification: Likely benign for Hypertrophic cardiomyopathy. Last evaluated: 2026-01-26. Review status: criteria provided, single submitter. Criteria: Invitae Variant Classification Sherloc (09022015). Collection method: clinical testing. Allele origin: germline.

PreventionGenetics, part of Exact Sciences
Classification: Likely benign for MYBPC3-related condition. Last evaluated: 2025-07-15. Review status: criteria provided, single submitter. Criteria: ACMG Guidelines, 2015. Collection method: clinical testing. Allele origin: germline.
Comment: This variant is classified as likely benign based on ACMG/AMP sequence variant interpretation guidelines (Richards et al. 2015 PMID: 25741868, with internal and published modifications).

Molecular Diagnostic Laboratory for Inherited Cardiovascular Disease, Montreal Heart Institute
Classification: Likely benign. Last evaluated: 2025-04-08. Review status: criteria provided, single submitter. Criteria: ACMG Guidelines, 2015. Collection method: clinical testing. Allele origin: germline. Affected: no.
Comment: BS1, BP6

Blueprint Genetics
Classification: Likely benign. Last evaluated: 2024-11-25. Review status: criteria provided, single submitter. Criteria: ACMG Guidelines, 2015. Collection method: clinical testing. Allele origin: germline.

All of Us Research Program, National Institutes of Health
Classification: Likely benign for Hypertrophic cardiomyopathy. Last evaluated: 2024-09-23. Review status: criteria provided, single submitter. Criteria: ACMG Guidelines, 2015. Collection method: clinical testing. Allele origin: germline. Inheritance: Autosomal dominant inheritance. Observed: 100 variant alleles, 100 heterozygotes.
Comment: This study involves interpretation of variants in research participants for the purpose of population health screening. Participant phenotype was not available at the time of variant classification. Additional details can be found in publication PMID: 35346344, PMCID: PMC8962531

Mendelics
Classification: Benign for Hypertrophic cardiomyopathy 4. Last evaluated: 2023-08-22. Review status: criteria provided, single submitter. Criteria: Mendelics Assertion Criteria 2019. Collection method: clinical testing. Allele origin: germline.

CHEO Genetics Diagnostic Laboratory, Children's Hospital of Eastern Ontario
Classification: Likely benign for Cardiomyopathy. Last evaluated: 2022-11-25. Review status: criteria provided, single submitter. Criteria: ACMG Guidelines, 2015. Collection method: clinical testing. Allele origin: germline.

CeGaT Center for Human Genetics Tuebingen
Classification: Likely benign. Last evaluated: 2022-05-01. Review status: criteria provided, single submitter. Criteria: Praxis fuer Humangenetik Tuebingen - Variant Classification Criteria. Collection method: clinical testing. Allele origin: germline. Affected: yes. Observed: 1 variant allele.

Ambry Genetics
Classification: Likely benign for Cardiovascular phenotype. Last evaluated: 2021-12-20. Review status: criteria provided, single submitter. Criteria: Ambry Variant Classification Scheme 2023. Collection method: clinical testing. Allele origin: germline.

GeneDx
Classification: Likely benign. Last evaluated: 2020-11-11. Review status: criteria provided, single submitter. Criteria: GeneDx Variant Classification Process June 2021. Collection method: clinical testing. Allele origin: germline. Affected: yes.
Comment: This variant is associated with the following publications: (PMID: 20433692, 25351510, 28771489, 22361390, 22563033, 23233322, 26914223, 22958901, 23861362, 24503780, 28679633, 26367797, no PMID, 28843747, 30972196, 30847666, 31980526)

Laboratory for Molecular Medicine, Mass General Brigham Personalized Medicine
Classification: Likely benign. Last evaluated: 2019-09-24. Review status: criteria provided, single submitter. Criteria: LMM Criteria. Collection method: clinical testing. Allele origin: germline. Observed: 13 variant alleles.
Comment: The p.Glu1179Lys variant in MYBPC3 is classified as likely benign because it has been identified in 0.19% (20/10318) of Ashkenazi Jewish and 0.13% (40/30546) of South Asian chromosomes by gnomAD. Although this variant has been identified in affected individuals (Brion 2009, Rodriquez-Garcia 2010, Kassem 2013, LMM data), the associated phenotypes are variable (including HCM, DCM, and SIDS), and some of these individuals carried variants in other genes sufficient to explain their disease. ACMG/AMP Criteria applied: BA1, PS4_Supporting.

Color Diagnostics, LLC DBA Color Health
Classification: Likely benign for Cardiomyopathy. Last evaluated: 2018-11-16. Review status: criteria provided, single submitter. Criteria: ACMG Guidelines, 2015. Collection method: clinical testing. Allele origin: germline.

Illumina Laboratory Services, Illumina
Classification: Benign for Left ventricular noncompaction 10. Last evaluated: 2017-04-27. Review status: criteria provided, single submitter. Criteria: ICSL Variant Classification Criteria 13 December 2019. Collection method: clinical testing. Allele origin: germline.
Comment: This variant was observed as part of a predisposition screen in an ostensibly healthy population. A literature search was performed for the gene, cDNA change, and amino acid change (where applicable). No publications were found based on this search. Allele frequency data from public databases was too high to be consistent with this variant causing disease. Therefore, this variant is classified as benign.

Illumina Laboratory Services, Illumina
Classification: Uncertain significance for Hypertrophic cardiomyopathy 4. Last evaluated: 2017-04-27. Review status: criteria provided, single submitter. Criteria: ICSL Variant Classification Criteria 13 December 2019. Collection method: clinical testing. Allele origin: germline.
Comment: This variant was observed as part of a predisposition screen in an ostensibly healthy population. A literature search was performed for the gene, cDNA change, and amino acid change (where applicable). Publications were found based on this search. However, the evidence from the literature, in combination with allele frequency data from public databases where available, was not sufficient to rule this variant in or out of causing disease. Therefore, this variant is classified as a variant of unknown significance.

Stanford Center for Inherited Cardiovascular Disease, Stanford University
Classification: Likely benign. Last evaluated: 2016-11-04. Review status: criteria provided, single submitter. Criteria: ACMG Guidelines, 2015. Collection method: provider interpretation. Allele origin: germline.

Biesecker Lab/Clinical Genomics Section, National Institutes of Health
Classification: Uncertain significance. Last evaluated: 2013-06-24. Review status: criteria provided, single submitter. Criteria: Ng et al. (Circ Cardiovasc Genet. 2013). Collection method: research. Allele origin: unknown. Observed: 1 variant allele. Study: ClinSeq.
Comment: The study set was not selected for affection status in relation to any cancer. Pathogenicity categories were based on literature curation. See Pubmed ID:23861362 for details.

Medical sequencing

Genetics and Genomics Program, Sidra Medicine
Classification: Uncertain significance for Primary dilated cardiomyopathy. Review status: criteria provided, single submitter. Criteria: ACMG Guidelines, 2015. Collection method: research. Allele origin: unknown. Affected: yes. Observed: 1 variant allele.